The following is an entry in ClinVar:

ClinVar aggregate classification (germline): Uncertain significance (1 of 4 stars; one submission).

Conditions:
Intellectual developmental disorder, autosomal dominant 6, with or without seizures. Also called: GRIN2B-related developmental delay, intellectual disability and autism spectrum disorder; Intellectual disability, autosomal dominant 6. Identifiers: Orphanet 589547, MedGen C3151411, MONDO:0013509, OMIM 613970.
Developmental and epileptic encephalopathy, 27 (DEE27). Also called: GRIN2B-Related Neurodevelopmental Disorder; Epileptic encephalopathy, early infantile, 27. Identifiers: Orphanet 3451, MedGen C4015316, MONDO:0014505, OMIM 616139.

Submission:

Labcorp Genetics (formerly Invitae), Labcorp
Classification: Uncertain significance for Developmental and epileptic encephalopathy, 27; Intellectual developmental disorder, autosomal dominant 6, with or without seizures. Last evaluated: 2022-07-20. Review status: criteria provided, single submitter. Criteria: Invitae Variant Classification Sherloc (09022015). Collection method: clinical testing. Allele origin: germline.
Comment: In summary, the available evidence is currently insufficient to determine the role of this variant in disease. Therefore, it has been classified as a Variant of Uncertain Significance. Advanced modeling of protein sequence and biophysical properties (such as structural, functional, and spatial information, amino acid conservation, physicochemical variation, residue mobility, and thermodynamic stability) performed at Invitae indicates that this missense variant is not expected to disrupt GRIN2B protein function. This variant has not been reported in the literature in individuals affected with GRIN2B-related conditions. This variant is not present in population databases (gnomAD no frequency). This sequence change replaces alanine, which is neutral and non-polar, with valine, which is neutral and non-polar, at codon 1417 of the GRIN2B protein (p.Ala1417Val).

NM_000834.5(GRIN2B):c.4250C>T (p.Ala1417Val)

Gene: GRIN2B (glutamate ionotropic receptor NMDA type subunit 2B; minus strand). Cytogenetic location: 12p13.1.
Variant type: single nucleotide variant.
Coding change: c.4250C>T on transcript NM_000834.5 (MANE Select); coding-DNA position 4250, C replaced by T.
Protein change: p.Ala1417Val; replaces alanine 1417 with valine.
Molecular consequence: missense variant.
Genome position (GRCh38, 1-based): chr12:13,562,988, G>A on the plus strand (C>T on the coding strand, the complement: GRIN2B is on the minus strand). VCF-style: chr12-13562988-G-A. GRCh37 (hg19) VCF-style: chr12-13715922-G-A.
Other names: short protein forms A1417V.
Identifiers: ClinVar variation 1720439 (VCV001720439.6), dbSNP rs377105285, ClinGen allele CA383985818.
Genomic context (GRCh38, chr12:13,562,988, plus strand): 5'-GCCCCATGAAGGGCCGAGACCACCGGCTTGTTGGTGACAAGGGCCCGGAAGTCCGGCCTG[G>A]CTTTCGACGCCCCCGCCACCGTGGGCTGCCTGAAGAAGTAGGATTTGCTGCCATGGAGCA-3'
Protein context (NP_000825.2, residues 1407-1427): RQPTVAGASK[Ala1417Val]RPDFRALVTN